The following is an entry in ClinVar:

NM_000081.4(LYST):c.9991C>T (p.Arg3331Cys)

Genes: LYST (lysosomal trafficking regulator; minus strand), LOC126806063 (MED14-independent group 3 enhancer GRCh37_chr1:235871544-235872743; plus strand). Cytogenetic location: 1q42.3.
Variant type: single nucleotide variant.
Coding change: c.9991C>T on transcript NM_000081.4 (MANE Select); coding-DNA position 9991, C replaced by T.
Protein change: p.Arg3331Cys; replaces arginine 3331 with cysteine.
Molecular consequence: missense variant.
Genome position (GRCh38, 1-based): chr1:235,709,243, G>A on the plus strand (C>T on the coding strand, the complement: LYST is on the minus strand). VCF-style: chr1-235709243-G-A. GRCh37 (hg19) VCF-style: chr1-235872543-G-A.
Other names: c.9991C>T, p.Arg3331Cys (NM_001301365.1); short protein forms R3331C.
Identifiers: ClinVar variation 1942882 (VCV001942882.2), dbSNP rs1662215700, ClinGen allele CA344935581.

ClinVar aggregate classification (germline): Uncertain significance (1 of 4 stars; one submission).

Conditions:
Chédiak-Higashi syndrome (CHS). Also called: Chediak-Higashi Syndrome. Identifiers: Orphanet 167, MedGen C0007965, MONDO:0008963, OMIM 214500.

Allele frequency attached by ClinVar (database versions not stated): TOPMed below 0.00001; gnomAD exomes 0.00001.
gnomAD v4.1: 17 of 1,614,104 alleles (0.0011%); highest among the groups gnomAD compares: Non-Finnish European, 0.0014%; no homozygotes.

Submission:

Labcorp Genetics (formerly Invitae), Labcorp
Classification: Uncertain significance for Chédiak-Higashi syndrome. Last evaluated: 2022-02-27. Review status: criteria provided, single submitter. Criteria: Invitae Variant Classification Sherloc (09022015). Collection method: clinical testing. Allele origin: germline.
Comment: This sequence change replaces arginine, which is basic and polar, with cysteine, which is neutral and slightly polar, at codon 3331 of the LYST protein (p.Arg3331Cys). This variant is not present in population databases (gnomAD no frequency). This variant has not been reported in the literature in individuals affected with LYST-related conditions. Algorithms developed to predict the effect of missense changes on protein structure and function are either unavailable or do not agree on the potential impact of this missense change (SIFT: "Deleterious"; PolyPhen-2: "Probably Damaging"; Align-GVGD: "Class C0"). In summary, the available evidence is currently insufficient to determine the role of this variant in disease. Therefore, it has been classified as a Variant of Uncertain Significance.